The following is an entry in ClinVar:

NM_000094.4(COL7A1):c.2611G>C (p.Gly871Arg)

Gene: COL7A1 (collagen type VII alpha 1 chain; minus strand). Cytogenetic location: 3p21.31.
Variant type: single nucleotide variant.
Coding change: c.2611G>C on transcript NM_000094.4 (MANE Select); coding-DNA position 2611, G replaced by C.
Protein change: p.Gly871Arg; replaces glycine 871 with arginine.
Molecular consequence: missense variant.
Genome position (GRCh38, 1-based): chr3:48,588,381, C>G on the plus strand (G>C on the coding strand, the complement: COL7A1 is on the minus strand). VCF-style: chr3-48588381-C-G. GRCh37 (hg19) VCF-style: chr3-48625814-C-G.
Other names: short protein forms G871R.
Identifiers: ClinVar variation 2883894 (VCV002883894.3), dbSNP rs1295859532, ClinGen allele CA352717929.

ClinVar aggregate classification (germline): Uncertain significance (1 of 4 stars; one submission).

Allele frequency attached by ClinVar (database versions not stated): gnomAD 0.00001; TOPMed 0.00001.
gnomAD v4.1: 1 of 1,611,284 alleles (0.000062%); highest among the groups gnomAD compares: Non-Finnish European, 0.000085%; no homozygotes.

Submission:

Labcorp Genetics (formerly Invitae), Labcorp
Classification: Uncertain significance. Last evaluated: 2025-04-13. Review status: criteria provided, single submitter. Criteria: Invitae Variant Classification Sherloc (09022015). Collection method: clinical testing. Allele origin: germline.
Comment: This sequence change replaces glycine, which is neutral and non-polar, with arginine, which is basic and polar, at codon 871 of the COL7A1 protein (p.Gly871Arg). This variant is not present in population databases (gnomAD no frequency). This variant has not been reported in the literature in individuals affected with COL7A1-related conditions. ClinVar contains an entry for this variant (Variation ID: 2883894). Invitae Evidence Modeling of protein sequence and biophysical properties (such as structural, functional, and spatial information, amino acid conservation, physicochemical variation, residue mobility, and thermodynamic stability) indicates that this missense variant is not expected to disrupt COL7A1 protein function with a negative predictive value of 95%. In summary, the available evidence is currently insufficient to determine the role of this variant in disease. Therefore, it has been classified as a Variant of Uncertain Significance.